The following is an entry in ClinVar:

NM_003611.3(OFD1):c.1712A>G (p.Asn571Ser)

Gene: OFD1 (OFD1 centriole and centriolar satellite protein; plus strand). Cytogenetic location: Xp22.2.
Variant type: single nucleotide variant.
Coding change: c.1712A>G on transcript NM_003611.3 (MANE Select); coding-DNA position 1712, A replaced by G.
Protein change: p.Asn571Ser; replaces asparagine 571 with serine.
Molecular consequence: missense variant.
Genome position (GRCh38, 1-based): chrX:13,760,172, A>G. VCF-style: chrX-13760172-A-G. GRCh37 (hg19) VCF-style: chrX-13778291-A-G.
Other names: c.1292A>G, p.Asn431Ser (NM_001330210.2); c.1592A>G, p.Asn531Ser (NM_001330209.2); short protein forms N531S, N571S, N431S.
Identifiers: ClinVar variation 2042471 (VCV002042471.4), dbSNP rs753704611, ClinGen allele CA10351881.

ClinVar aggregate classification (germline): Uncertain significance (1 of 4 stars; one submission).

Conditions:
Joubert syndrome. Also called: CEREBELLOPARENCHYMAL DISORDER IV; JOUBERT-BOLTSHAUSER SYNDROME; Familial aplasia of the vermis. Identifiers: Orphanet 475, MedGen C5979921, MONDO:0018772.
Orofaciodigital syndrome I (OFD1). Also called: OFDS I; Papillon-Leage and Psaume Syndrome; Oral-Facial-Digital Syndrome Type I. Identifiers: Orphanet 2750, MedGen C1510460, MONDO:0010702, OMIM 311200.

Allele frequency attached by ClinVar (database versions not stated): ExAC 0.00002; TOPMed 0.00007; gnomAD 0.00009.
gnomAD v4.1: 29 of 1,210,180 alleles (0.0024%); highest among the groups gnomAD compares: African/African-American, 0.016%; no homozygotes.

Submission:

Labcorp Genetics (formerly Invitae), Labcorp
Classification: Uncertain significance for Orofaciodigital syndrome I; Joubert syndrome. Last evaluated: 2025-06-29. Review status: criteria provided, single submitter. Criteria: Invitae Variant Classification Sherloc (09022015). Collection method: clinical testing. Allele origin: germline.
Comment: This sequence change replaces asparagine, which is neutral and polar, with serine, which is neutral and polar, at codon 571 of the OFD1 protein (p.Asn571Ser). This variant is present in population databases (rs753704611, gnomAD 0.03%). This variant has not been reported in the literature in individuals affected with OFD1-related conditions. ClinVar contains an entry for this variant (Variation ID: 2042471). Invitae Evidence Modeling of protein sequence and biophysical properties (such as structural, functional, and spatial information, amino acid conservation, physicochemical variation, residue mobility, and thermodynamic stability) indicates that this missense variant is not expected to disrupt OFD1 protein function with a negative predictive value of 80%. In summary, the available evidence is currently insufficient to determine the role of this variant in disease. Therefore, it has been classified as a Variant of Uncertain Significance.